The following is an entry in ClinVar:

ClinVar aggregate classification (germline): Pathogenic (1 of 4 stars; one submission).

Submission:

Labcorp Genetics (formerly Invitae), Labcorp
Classification: Pathogenic. Last evaluated: 2023-11-14. Review status: criteria provided, single submitter. Criteria: Invitae Variant Classification Sherloc (09022015). Collection method: clinical testing. Allele origin: unknown.
Comment: This variant is a gross deletion of the genomic region encompassing exon(s) 4-19 of the PCDH15 gene. This deletion is out-of-frame, and is expected to create a premature termination codon and result in an absent or disrupted protein product. Loss-of-function variants in PCDH15 are known to be pathogenic (PMID: 11398101, 11487575, 14570705). This variant has not been reported in the literature in individuals affected with PCDH15-related conditions. For these reasons, this variant has been classified as Pathogenic.

Literature cited by the submitters: PubMed 11398101; PubMed 11487575; PubMed 14570705.

NC_000010.10:g.(?_55782632)_(56138722_?)del

Gene: PCDH15 (protocadherin related 15; minus strand). Cytogenetic location: 10q21.1.
Variant type: Deletion.
Identifiers: ClinVar variation 3245027 (VCV003245027.1).